The following is an entry in ClinVar:

NM_001080414.4(CCDC88C):c.1445T>A (p.Leu482Gln)

Gene: CCDC88C (coiled-coil and HOOK domain protein 88C; minus strand). Cytogenetic location: 14q32.11.
Variant type: single nucleotide variant.
Coding change: c.1445T>A on transcript NM_001080414.4 (MANE Select); coding-DNA position 1445, T replaced by A.
Protein change: p.Leu482Gln; replaces leucine 482 with glutamine.
Molecular consequence: missense variant. On other transcripts: non-coding transcript variant (2).
Genome position (GRCh38, 1-based): chr14:91,321,202, A>T on the plus strand (T>A on the coding strand, the complement: CCDC88C is on the minus strand). VCF-style: chr14-91321202-A-T. GRCh37 (hg19) VCF-style: chr14-91787546-A-T.
Other names: short protein forms L482Q.
Identifiers: ClinVar variation 4688605 (VCV004688605.1).

ClinVar aggregate classification (germline): Uncertain significance (1 of 4 stars; one submission).

gnomAD v4.1: 17 of 1,611,918 alleles (0.0011%); highest among the groups gnomAD compares: African/African-American, 0.0013%; no homozygotes.

Submission:

Women's Health and Genetics/Laboratory Corporation of America, LabCorp
Classification: Uncertain significance. Last evaluated: 2025-12-03. Review status: criteria provided, single submitter. Criteria: LabCorp Variant Classification Summary - May 2015. Collection method: clinical testing. Allele origin: germline.
Comment: Variant summary: CCDC88C c.1445T>A (p.Leu482Gln) results in a non-conservative amino acid change in the encoded protein sequence. Algorithms developed to predict the effect of missense changes on protein structure and function are either unavailable or do not agree on the potential impact of this missense change. The variant allele was found at a frequency of 2e-05 in 244000 control chromosomes. The available data on variant occurrences in the general population are insufficient to allow any conclusion about variant significance. To our knowledge, no occurrence of c.1445T>A in individuals affected with CCDC88C-related conditions and no experimental evidence demonstrating its impact on protein function have been reported. No submitters have cited clinical-significance assessments for this variant to ClinVar. Based on the evidence outlined above, the variant was classified as uncertain significance.